The following is an entry in ClinVar:

ClinVar aggregate classification (germline): Uncertain significance. Review status: criteria provided, multiple submitters, no conflicts (2 of 4 stars). 2 submissions from 2 submitters: Uncertain significance (2). Last evaluated 2025-02-18.

Allele frequency attached by ClinVar (database versions not stated): gnomAD 0.00003; TOPMed 0.00007; ESP Exome Variant Server 0.00008; ExAC 0.00012; gnomAD exomes 0.00012; 1000 Genomes Project 30x 0.00016; 1000 Genomes Project 0.00020.
gnomAD v4.1: 60 of 1,613,836 alleles (0.0037%); highest among the groups gnomAD compares: East Asian, 0.04%; no homozygotes.

Submissions (2):

Labcorp Genetics (formerly Invitae), Labcorp
Classification: Uncertain significance. Last evaluated: 2025-02-18. Review status: criteria provided, single submitter. Criteria: Invitae Variant Classification Sherloc (09022015). Collection method: clinical testing. Allele origin: germline.
Comment: This sequence change replaces alanine, which is neutral and non-polar, with threonine, which is neutral and polar, at codon 157 of the SAG protein (p.Ala157Thr). This variant is present in population databases (rs201283305, gnomAD 0.1%). This variant has not been reported in the literature in individuals affected with SAG-related conditions. ClinVar contains an entry for this variant (Variation ID: 1428343). Invitae Evidence Modeling of protein sequence and biophysical properties (such as structural, functional, and spatial information, amino acid conservation, physicochemical variation, residue mobility, and thermodynamic stability) indicates that this missense variant is not expected to disrupt SAG protein function with a negative predictive value of 80%. In summary, the available evidence is currently insufficient to determine the role of this variant in disease. Therefore, it has been classified as a Variant of Uncertain Significance.

Blueprint Genetics
Classification: Uncertain significance. Last evaluated: 2024-08-29. Review status: criteria provided, single submitter. Criteria: ACMG Guidelines, 2015. Collection method: clinical testing. Allele origin: germline.

NM_000541.5(SAG):c.469G>A (p.Ala157Thr)

Gene: SAG (S-antigen visual arrestin; plus strand). Cytogenetic location: 2q37.1.
Variant type: single nucleotide variant.
Coding change: c.469G>A on transcript NM_000541.5 (MANE Select); coding-DNA position 469, G replaced by A.
Protein change: p.Ala157Thr; replaces alanine 157 with threonine.
Molecular consequence: missense variant.
Genome position (GRCh38, 1-based): chr2:233,327,154, G>A. VCF-style: chr2-233327154-G-A. GRCh37 (hg19) VCF-style: chr2-234235800-G-A.
Other names: short protein forms A157T.
Identifiers: ClinVar variation 1428343 (VCV001428343.9), dbSNP rs201283305, ClinGen allele CA2174390.